The following is an entry in ClinVar:

NM_022124.6(CDH23):c.5370G>A (p.Gly1790=)

Gene: CDH23 (cadherin related 23; plus strand). Cytogenetic location: 10q22.1.
Variant type: single nucleotide variant.
Coding change: c.5370G>A on transcript NM_022124.6 (MANE Select); coding-DNA position 5370, G replaced by A.
Protein change: p.Gly1790=; no amino-acid change (glycine 1790 retained).
Molecular consequence: synonymous variant.
Genome position (GRCh38, 1-based): chr10:71,784,288, G>A. VCF-style: chr10-71784288-G-A. GRCh37 (hg19) VCF-style: chr10-73544045-G-A.
Other names: c.5370G>A (NM_022124.5).
Identifiers: ClinVar variation 1535337 (VCV001535337.11), dbSNP rs2132938032, ClinGen allele CA470060571.

ClinVar aggregate classification (germline): Likely benign. Review status: criteria provided, multiple submitters, no conflicts (2 of 4 stars). 3 submissions from 3 submitters: Likely benign (2). 1 of the submissions does not count toward it. Last evaluated 2026-08-01.

Conditions:
Usher syndrome type 1 (USH1). Also called: RETINITIS PIGMENTOSA AND CONGENITAL DEAFNESS. Identifiers: Orphanet 231169, Orphanet 886, MedGen C1568247, MONDO:0010168, OMIM 276900.

Allele frequency attached by ClinVar (database versions not stated): gnomAD exomes below 0.00001.
gnomAD v4.1: 1 of 1,613,084 alleles (0.000062%); highest among the groups gnomAD compares: Non-Finnish European, 0.000085%; no homozygotes.

Submissions (3):

CeGaT Center for Human Genetics Tuebingen
Classification: Likely benign. Last evaluated: 2026-08-01. Review status: criteria provided, single submitter. Criteria: CeGaT Center For Human Genetics Tuebingen Variant Classification Criteria Version 2. Collection method: clinical testing. Allele origin: germline. Affected: yes. Observed: 2 variant alleles.
Comment: CDH23: BP4, BP7

Labcorp Genetics (formerly Invitae), Labcorp
Classification: Likely benign. Last evaluated: 2022-11-01. Review status: criteria provided, single submitter. Criteria: Invitae Variant Classification Sherloc (09022015). Collection method: clinical testing. Allele origin: germline.

Natera, Inc.
Classification: Uncertain significance for Usher syndrome type 1. Last evaluated: 2025-04-10. Review status: no assertion criteria provided. Collection method: clinical testing. Allele origin: germline. Not counted in ClinVar's aggregate classification.